The following is an entry in ClinVar:

ClinVar aggregate classification (germline): Uncertain significance (1 of 4 stars; one submission).

gnomAD v4.1: 12 of 1,562,508 alleles (0.00077%); highest among the groups gnomAD compares: African/African-American, 0.012%; no homozygotes.

Submission:

Labcorp Genetics (formerly Invitae), Labcorp
Classification: Uncertain significance. Last evaluated: 2025-01-28. Review status: criteria provided, single submitter. Criteria: Invitae Variant Classification Sherloc (09022015). Collection method: clinical testing. Allele origin: germline.
Comment: This sequence change replaces alanine, which is neutral and non-polar, with threonine, which is neutral and polar, at codon 277 of the PLEKHM2 protein (p.Ala277Thr). The frequency data for this variant in the population databases is considered unreliable, as metrics indicate poor data quality at this position in the gnomAD database. This variant has not been reported in the literature in individuals affected with PLEKHM2-related conditions. An algorithm developed to predict the effect of missense changes on protein structure and function (PolyPhen-2) suggests that this variant is likely to be tolerated. In summary, the available evidence is currently insufficient to determine the role of this variant in disease. Therefore, it has been classified as a Variant of Uncertain Significance.

NM_015164.4(PLEKHM2):c.829G>A (p.Ala277Thr)

Gene: PLEKHM2 (pleckstrin homology and RUN domain containing M2; plus strand). Cytogenetic location: 1p36.21.
Variant type: single nucleotide variant.
Coding change: c.829G>A on transcript NM_015164.4 (MANE Select); coding-DNA position 829, G replaced by A.
Protein change: p.Ala277Thr; replaces alanine 277 with threonine.
Molecular consequence: missense variant.
Genome position (GRCh38, 1-based): chr1:15,725,433, G>A. VCF-style: chr1-15725433-G-A. GRCh37 (hg19) VCF-style: chr1-16051928-G-A.
Other names: c.769G>A, p.Ala257Thr (NM_001410755.1); short protein forms A257T, A277T.
Identifiers: ClinVar variation 3665878 (VCV003665878.2).